The following is an entry in ClinVar:

NM_001348716.2(KDM6B):c.1498A>C (p.Ile500Leu)

Gene: KDM6B (lysine demethylase 6B; plus strand). Cytogenetic location: 17p13.1.
Variant type: single nucleotide variant.
Coding change: c.1498A>C on transcript NM_001348716.2 (MANE Select); coding-DNA position 1498, A replaced by C.
Protein change: p.Ile500Leu; replaces isoleucine 500 with leucine.
Molecular consequence: missense variant.
Genome position (GRCh38, 1-based): chr17:7,847,786, A>C. VCF-style: chr17-7847786-A-C. GRCh37 (hg19) VCF-style: chr17-7751104-A-C.
Other names: c.1498A>C (NM_001080424.1); c.1498A>C, p.Ile500Leu (NM_001080424.2); short protein forms I500L.
Identifiers: ClinVar variation 2647399 (VCV002647399.25), dbSNP rs535665513, ClinGen allele CA8360666.

ClinVar aggregate classification (germline): Benign. Review status: criteria provided, single submitter (1 of 4 stars). 2 submissions from 2 submitters: Benign (1). 1 of the submissions does not count toward it. Last evaluated 2023-09-01.

Conditions:
KDM6B-related disorder. Also called: KDM6B-related condition.

Allele frequency attached by ClinVar (database versions not stated): gnomAD 0.00017; 1000 Genomes Project 0.00020; 1000 Genomes Project 30x 0.00031.
gnomAD v4.1: 538 of 1,490,596 alleles (0.036%); highest among the groups gnomAD compares: South Asian, 0.33%; 5 homozygotes.

Submissions (2):

CeGaT Center for Human Genetics Tuebingen
Classification: Benign. Last evaluated: 2023-09-01. Review status: criteria provided, single submitter. Criteria: CeGaT Center For Human Genetics Tuebingen Variant Classification Criteria Version 2. Collection method: clinical testing. Allele origin: germline. Affected: yes. Observed: 1 variant allele.
Comment: KDM6B: BS1, BS2

PreventionGenetics, part of Exact Sciences
Classification: Likely benign for KDM6B-related condition. Last evaluated: 2023-11-27. Review status: no assertion criteria provided. Collection method: clinical testing. Allele origin: germline. Not counted in ClinVar's aggregate classification.
Comment: This variant is classified as likely benign based on ACMG/AMP sequence variant interpretation guidelines (Richards et al. 2015 PMID: 25741868, with internal and published modifications).